The following is an entry in ClinVar:

NM_001903.5(CTNNA1):c.2617G>A (p.Glu873Lys)

Gene: CTNNA1 (catenin alpha 1; plus strand). Cytogenetic location: 5q31.2.
Variant type: single nucleotide variant.
Coding change: c.2617G>A on transcript NM_001903.5 (MANE Select); coding-DNA position 2617, G replaced by A.
Protein change: p.Glu873Lys; replaces glutamic acid 873 with lysine.
Molecular consequence: missense variant. On other transcripts: 3 prime UTR variant (5).
Genome position (GRCh38, 1-based): chr5:138,933,985, G>A. VCF-style: chr5-138933985-G-A. GRCh37 (hg19) VCF-style: chr5-138269674-G-A.
Other names: c.*162G>A (NM_001290307.3, NM_001324002.1, NM_001324003.1 and 2 more transcripts); c.2308G>A, p.Glu770Lys (NM_001290309.3); c.2248G>A, p.Glu750Lys (NM_001290310.3); c.1507G>A, p.Glu503Lys (NM_001290312.1, NM_001323987.1, NM_001323988.1 and 12 more transcripts); c.2617G>A, p.Glu873Lys (NM_001323982.2, NM_001323983.1, NM_001323984.2); c.2590G>A, p.Glu864Lys (NM_001323985.2); c.2524G>A, p.Glu842Lys (NM_001323986.2); c.1372G>A, p.Glu458Lys (NM_001324001.1); and 3 more; short protein forms E458K, E750K, E472K, E864K, E503K, E770K, E842K, E873K.
Identifiers: ClinVar variation 2446935 (VCV002446935.5), dbSNP rs2150359777, ClinGen allele CA361135611.

ClinVar aggregate classification (germline): Uncertain significance. Review status: criteria provided, multiple submitters, no conflicts (2 of 4 stars). 2 submissions from 2 submitters: Uncertain significance (2). Last evaluated 2025-05-17.

Conditions:
Hereditary cancer-predisposing syndrome. Also called: Neoplastic Syndromes, Hereditary; Hereditary Cancer Syndrome; Tumor predisposition; Hereditary neoplastic syndrome. Identifiers: Orphanet 140162, MedGen C0027672, MeSH D009386, MONDO:0015356.

Allele frequency attached by ClinVar (database versions not stated): gnomAD exomes below 0.00001.
gnomAD v4.1: 1 of 1,614,170 alleles (0.000062%); highest among the groups gnomAD compares: East Asian, 0.0022%; no homozygotes.

Submissions (2):

Ambry Genetics
Classification: Uncertain significance for Hereditary cancer-predisposing syndrome. Last evaluated: 2025-05-17. Review status: criteria provided, single submitter. Criteria: Ambry Variant Classification Scheme 2023. Collection method: clinical testing. Allele origin: germline.
Comment: The p.E873K variant (also known as c.2617G>A), located in coding exon 17 of the CTNNA1 gene, results from a G to A substitution at nucleotide position 2617. The glutamic acid at codon 873 is replaced by lysine, an amino acid with similar properties. This amino acid position is conserved. In addition, the in silico prediction for this alteration is inconclusive. Since supporting evidence is limited at this time, the clinical significance of this alteration remains unclear.

Labcorp Genetics (formerly Invitae), Labcorp
Classification: Uncertain significance. Last evaluated: 2024-03-02. Review status: criteria provided, single submitter. Criteria: Invitae Variant Classification Sherloc (09022015). Collection method: clinical testing. Allele origin: germline.
Comment: This sequence change replaces glutamic acid, which is acidic and polar, with lysine, which is basic and polar, at codon 873 of the CTNNA1 protein (p.Glu873Lys). This variant is not present in population databases (gnomAD no frequency). This variant has not been reported in the literature in individuals affected with CTNNA1-related conditions. ClinVar contains an entry for this variant (Variation ID: 2446935). Advanced modeling of protein sequence and biophysical properties (such as structural, functional, and spatial information, amino acid conservation, physicochemical variation, residue mobility, and thermodynamic stability) performed at Invitae indicates that this missense variant is not expected to disrupt CTNNA1 protein function with a negative predictive value of 80%. In summary, the available evidence is currently insufficient to determine the role of this variant in disease. Therefore, it has been classified as a Variant of Uncertain Significance.